The following is an entry in ClinVar:

ClinVar aggregate classification (germline): Uncertain significance (1 of 4 stars; one submission).

gnomAD v4.1: 1 of 1,549,680 alleles (0.000065%); highest among the groups gnomAD compares: Non-Finnish European, 0.000087%; no homozygotes.

Submission:

Labcorp Genetics (formerly Invitae), Labcorp
Classification: Uncertain significance. Last evaluated: 2022-11-01. Review status: criteria provided, single submitter. Criteria: Invitae Variant Classification Sherloc (09022015). Collection method: clinical testing. Allele origin: germline.
Comment: In summary, the available evidence is currently insufficient to determine the role of this variant in disease. Therefore, it has been classified as a Variant of Uncertain Significance. Advanced modeling of protein sequence and biophysical properties (such as structural, functional, and spatial information, amino acid conservation, physicochemical variation, residue mobility, and thermodynamic stability) has been performed at Invitae for this missense variant, however the output from this modeling did not meet the statistical confidence thresholds required to predict the impact of this variant on REPS1 protein function. This variant has not been reported in the literature in individuals affected with REPS1-related conditions. This variant is not present in population databases (gnomAD no frequency). This sequence change replaces valine, which is neutral and non-polar, with methionine, which is neutral and non-polar, at codon 48 of the REPS1 protein (p.Val48Met).

NM_001286611.2(REPS1):c.142G>A (p.Val48Met)

Gene: REPS1 (RALBP1 associated Eps domain containing 1; minus strand). Cytogenetic location: 6q24.1.
Variant type: single nucleotide variant.
Coding change: c.142G>A on transcript NM_001286611.2 (MANE Select); coding-DNA position 142, G replaced by A.
Protein change: p.Val48Met; replaces valine 48 with methionine.
Molecular consequence: missense variant.
Genome position (GRCh38, 1-based): chr6:138,987,541, C>T on the plus strand (G>A on the coding strand, the complement: REPS1 is on the minus strand). VCF-style: chr6-138987541-C-T. GRCh37 (hg19) VCF-style: chr6-139308678-C-T.
Other names: c.142G>A, p.Val48Met (NM_001128617.3, NM_001286612.2, NM_031922.5); short protein forms V48M.
Identifiers: ClinVar variation 1970249 (VCV001970249.5), dbSNP rs2483394801, ClinGen allele CA365871516.
Genomic context (GRCh38, chr6:138,987,541, plus strand): 5'-CAGTGACTGCAGGCCTAAGCCGCCCGCCGGCCCCGGGACGCGACGTTACCTGTAGGACCA[C>T]GTCGTTCGGCAGCTGCGCGGCCCGGAACAGCTCCAGCACCCGCCCGTTGACCACCACCTT-3'
Protein context (NP_001273540.1, residues 38-58): LFRAAQLPND[Val48Met]VLQIMELCGA